The following is an entry in ClinVar:

ClinVar aggregate classification (germline): Likely benign. Review status: criteria provided, multiple submitters, no conflicts (2 of 4 stars). 3 submissions from 3 submitters: Likely benign (3). Last evaluated 2026-04-23.

Conditions:
ALPK3-related disorder. Also called: ALPK3-related condition.
Cardiovascular phenotype. Identifiers: MedGen CN230736.

Allele frequency attached by ClinVar (database versions not stated): gnomAD 0.00001; gnomAD exomes 0.00001 and 0.00002; TOPMed 0.00001; ExAC 0.00002.
gnomAD v4.1: 20 of 1,612,510 alleles (0.0012%); highest among the groups gnomAD compares: Middle Eastern, 0.017%; no homozygotes.

Submissions (3):

PreventionGenetics, part of Exact Sciences
Classification: Likely benign for ALPK3-related condition. Last evaluated: 2026-04-23. Review status: criteria provided, single submitter. Criteria: ACMG Guidelines, 2015. Collection method: clinical testing. Allele origin: germline.
Comment: This variant is classified as likely benign based on ACMG/AMP sequence variant interpretation guidelines (Richards et al. 2015 PMID: 25741868, with internal and published modifications).

Labcorp Genetics (formerly Invitae), Labcorp
Classification: Likely benign. Last evaluated: 2025-05-22. Review status: criteria provided, single submitter. Criteria: Invitae Variant Classification Sherloc (09022015). Collection method: clinical testing. Allele origin: germline.

Ambry Genetics
Classification: Likely benign for Cardiovascular phenotype. Last evaluated: 2019-05-10. Review status: criteria provided, single submitter. Criteria: Ambry Variant Classification Scheme 2023. Collection method: clinical testing. Allele origin: germline.

NM_020778.5(ALPK3):c.3456G>A (p.Pro1152=)

Gene: ALPK3 (alpha kinase 3; plus strand). Cytogenetic location: 15q25.3.
Variant type: single nucleotide variant.
Coding change: c.3456G>A on transcript NM_020778.5 (MANE Select); coding-DNA position 3456, G replaced by A.
Protein change: p.Pro1152=; no amino-acid change (proline 1152 retained).
Molecular consequence: synonymous variant.
Genome position (GRCh38, 1-based): chr15:84,858,194, G>A. VCF-style: chr15-84858194-G-A. GRCh37 (hg19) VCF-style: chr15-85401425-G-A.
Identifiers: ClinVar variation 1635736 (VCV001635736.11), dbSNP rs773988814, ClinGen allele CA7709635.